The following is an entry in ClinVar:

NM_002485.5(NBN):c.1207G>A (p.Val403Ile)

Gene: NBN (nibrin; minus strand). Cytogenetic location: 8q21.3.
Variant type: single nucleotide variant.
Coding change: c.1207G>A on transcript NM_002485.5 (MANE Select); coding-DNA position 1207, G replaced by A.
Protein change: p.Val403Ile; replaces valine 403 with isoleucine.
Molecular consequence: missense variant.
Genome position (GRCh38, 1-based): chr8:89,955,473, C>T on the plus strand (G>A on the coding strand, the complement: NBN is on the minus strand). VCF-style: chr8-89955473-C-T. GRCh37 (hg19) VCF-style: chr8-90967701-C-T.
Other names: c.961G>A, p.Val321Ile (NM_001024688.3); short protein forms V321I, V403I.
Identifiers: ClinVar variation 2663077 (VCV002663077.1), dbSNP rs2129720808, ClinGen allele CA371656363.

ClinVar aggregate classification (germline): Uncertain significance (1 of 4 stars; one submission).

Submission:

GeneDx
Classification: Uncertain significance. Last evaluated: 2023-05-05. Review status: criteria provided, single submitter. Criteria: GeneDx Variant Classification Process June 2021. Collection method: clinical testing. Allele origin: germline. Affected: yes.
Comment: Not observed at significant frequency in large population cohorts (gnomAD); In silico analysis supports that this missense variant does not alter protein structure/function; Has not been previously published as pathogenic or benign to our knowledge